The following is an entry in ClinVar:

NM_002637.4(PHKA1):c.2335C>A (p.Gln779Lys)

Gene: PHKA1 (phosphorylase kinase regulatory subunit alpha 1; minus strand). Cytogenetic location: Xq13.1.
Variant type: single nucleotide variant.
Coding change: c.2335C>A on transcript NM_002637.4 (MANE Select); coding-DNA position 2335, C replaced by A.
Protein change: p.Gln779Lys; replaces glutamine 779 with lysine.
Molecular consequence: missense variant.
Genome position (GRCh38, 1-based): chrX:72,618,744, G>T on the plus strand (C>A on the coding strand, the complement: PHKA1 is on the minus strand). VCF-style: chrX-72618744-G-T. GRCh37 (hg19) VCF-style: chrX-71838594-G-T.
Other names: c.2335C>A, p.Gln779Lys (NM_001122670.2); c.2158C>A, p.Gln720Lys (NM_001172436.2); short protein forms Q779K, Q720K.
Identifiers: ClinVar variation 393215 (VCV000393215.10), dbSNP rs144670958, ClinGen allele CA10450718.

ClinVar aggregate classification (germline): Uncertain significance. Review status: criteria provided, multiple submitters, no conflicts (2 of 4 stars). 5 submissions from 5 submitters: Uncertain significance (3). 2 of the submissions do not count toward it. Last evaluated 2025-05-21.

Conditions:
Inborn genetic diseases. Identifiers: MedGen C0950123, MeSH D030342.
Glycogen storage disease IXd (GSD9D). Also called: Muscle Phosphorylase Kinase Deficiency; GSD IXd. Identifiers: Orphanet 715, MedGen C1845151, MONDO:0010362, OMIM 300559.

Allele frequency attached by ClinVar (database versions not stated): TOPMed 0.00003; gnomAD exomes 0.00005 and 0.00007; ExAC 0.00006; gnomAD 0.00008; ESP Exome Variant Server 0.00019; 1000 Genomes Project 30x 0.00021; 1000 Genomes Project 0.00026.
gnomAD v4.1: 85 of 1,195,573 alleles (0.0071%); highest among the groups gnomAD compares: Middle Eastern, 0.07%; no homozygotes.

Submissions (5):

Labcorp Genetics (formerly Invitae), Labcorp
Classification: Uncertain significance for Glycogen storage disease IXd. Last evaluated: 2025-05-21. Review status: criteria provided, single submitter. Criteria: Invitae Variant Classification Sherloc (09022015). Collection method: clinical testing. Allele origin: germline.
Comment: This sequence change replaces glutamine, which is neutral and polar, with lysine, which is basic and polar, at codon 779 of the PHKA1 protein (p.Gln779Lys). This variant is present in population databases (rs144670958, gnomAD 0.02%). This variant has not been reported in the literature in individuals affected with PHKA1-related conditions. ClinVar contains an entry for this variant (Variation ID: 393215). Invitae Evidence Modeling of protein sequence and biophysical properties (such as structural, functional, and spatial information, amino acid conservation, physicochemical variation, residue mobility, and thermodynamic stability) indicates that this missense variant is expected to disrupt PHKA1 protein function with a positive predictive value of 80%. In summary, the available evidence is currently insufficient to determine the role of this variant in disease. Therefore, it has been classified as a Variant of Uncertain Significance.

Ambry Genetics
Classification: Uncertain significance for Inborn genetic diseases. Last evaluated: 2024-08-12. Review status: criteria provided, single submitter. Criteria: Ambry Variant Classification Scheme 2023. Collection method: clinical testing. Allele origin: germline.

GeneDx
Classification: Uncertain significance. Last evaluated: 2017-02-03. Review status: criteria provided, single submitter. Criteria: GeneDx Variant Classification (06012015). Collection method: clinical testing. Allele origin: germline. Affected: yes.
Comment: The Q779K variant has not been published as a pathogenic variant, nor has it been reported as a benign variant to our knowledge. The NHLBI Exome Sequencing Project and the 1000 Genomes Project Consortium reports Q779K was observed in 2/6728 alleles from individuals of European background and in 1/718 alleles from individuals of South Asian background, including two hemizygous individuals. The Q779K variant is a semi-conservative amino acid substitution, which may impact secondary protein structure as these residues differ in some properties. This substitution occurs at a position that is conserved across species. In silico analysis predicts this variant is probably damaging to the protein structure/function. In summary, based on the currently available information, it is unclear whether this variant is a pathogenic variant or a rare benign variant.

Genome Diagnostics Laboratory, Amsterdam University Medical Center
Classification: Uncertain significance. Review status: no assertion criteria provided. Collection method: clinical testing. Allele origin: germline. Affected: yes. Study: VKGL Data-share Consensus. Not counted in ClinVar's aggregate classification.

Laboratory of Diagnostic Genome Analysis, Leiden University Medical Center (LUMC)
Classification: Uncertain significance. Review status: no assertion criteria provided. Collection method: clinical testing. Allele origin: germline. Affected: yes. Study: VKGL Data-share Consensus. Not counted in ClinVar's aggregate classification.